The following is an entry in ClinVar:

NM_001353214.3(DYM):c.665T>G (p.Phe222Cys)

Gene: DYM (dymeclin; minus strand). Cytogenetic location: 18q21.1.
Variant type: single nucleotide variant.
Coding change: c.665T>G on transcript NM_001353214.3 (MANE Select); coding-DNA position 665, T replaced by G.
Protein change: p.Phe222Cys; replaces phenylalanine 222 with cysteine.
Molecular consequence: missense variant. On other transcripts: intron variant (4).
Genome position (GRCh38, 1-based): chr18:49,331,962, A>C on the plus strand (T>G on the coding strand, the complement: DYM is on the minus strand). VCF-style: chr18-49331962-A-C. GRCh37 (hg19) VCF-style: chr18-46858332-A-C.
Other names: c.665T>G (NM_017653.3); c.665T>G, p.Phe222Cys (NM_001353210.3, NM_001353213.3, NM_001353215.3 and 10 more transcripts); c.662T>G, p.Phe221Cys (NM_001353211.3, NM_001353212.3, NM_001374429.1 and 1 more transcripts); c.539T>G, p.Phe180Cys (NM_001374432.1, NM_001374436.1); c.194-45346T>G (NM_001374441.1, NM_001374444.1, NM_001374442.1); c.437T>G, p.Phe146Cys (NM_001374440.1); c.194-45349T>G (NM_001374443.1); short protein forms F146C, F180C, F221C, F222C.
Identifiers: ClinVar variation 1497656 (VCV001497656.9), dbSNP rs1568265491, ClinGen allele CA402509141.

ClinVar aggregate classification (germline): Uncertain significance. Review status: criteria provided, multiple submitters, no conflicts (2 of 4 stars). 2 submissions from 2 submitters: Uncertain significance (2). Last evaluated 2025-02-12.

Conditions:
Inborn genetic diseases. Identifiers: MedGen C0950123, MeSH D030342.

Allele frequency attached by ClinVar (database versions not stated): TOPMed below 0.00001; gnomAD 0.00001.
gnomAD v4.1: 1 of 1,613,992 alleles (0.000062%); highest among the groups gnomAD compares: Non-Finnish European, 0.000085%; no homozygotes.

Submissions (2):

Ambry Genetics
Classification: Uncertain significance for Inborn genetic diseases. Last evaluated: 2025-02-12. Review status: criteria provided, single submitter. Criteria: Ambry Variant Classification Scheme 2023. Collection method: clinical testing. Allele origin: germline.

Labcorp Genetics (formerly Invitae), Labcorp
Classification: Uncertain significance. Last evaluated: 2021-06-10. Review status: criteria provided, single submitter. Criteria: Invitae Variant Classification Sherloc (09022015). Collection method: clinical testing. Allele origin: germline.
Comment: In summary, the available evidence is currently insufficient to determine the role of this variant in disease. Therefore, it has been classified as a Variant of Uncertain Significance. Algorithms developed to predict the effect of missense changes on protein structure and function (SIFT, PolyPhen-2, Align-GVGD) all suggest that this variant is likely to be disruptive, but these predictions have not been confirmed by published functional studies and their clinical significance is uncertain. This variant has not been reported in the literature in individuals with DYM-related conditions. This variant is not present in population databases (ExAC no frequency). This sequence change replaces phenylalanine with cysteine at codon 222 of the DYM protein (p.Phe222Cys). The phenylalanine residue is highly conserved and there is a large physicochemical difference between phenylalanine and cysteine.